The following is an entry in ClinVar:

ClinVar aggregate classification (germline): Uncertain significance (1 of 4 stars; one submission).

Conditions:
Aortic valve disease 2 (AOVD2). Identifiers: MedGen C3542024, MONDO:0013902, OMIM 614823.

gnomAD v4.1: 3 of 1,614,174 alleles (0.00019%); highest among the groups gnomAD compares: Non-Finnish European, 0.00025%; no homozygotes.

Submission:

Labcorp Genetics (formerly Invitae), Labcorp
Classification: Uncertain significance for Aortic valve disease 2. Last evaluated: 2023-11-28. Review status: criteria provided, single submitter. Criteria: Invitae Variant Classification Sherloc (09022015). Collection method: clinical testing. Allele origin: germline.
Comment: This sequence change replaces glutamine, which is neutral and polar, with arginine, which is basic and polar, at codon 477 of the TBX5 protein (p.Gln477Arg). This variant is not present in population databases (gnomAD no frequency). This variant has not been reported in the literature in individuals affected with TBX5-related conditions. Advanced modeling of protein sequence and biophysical properties (such as structural, functional, and spatial information, amino acid conservation, physicochemical variation, residue mobility, and thermodynamic stability) performed at Invitae indicates that this missense variant is not expected to disrupt TBX5 protein function with a negative predictive value of 80%. In summary, the available evidence is currently insufficient to determine the role of this variant in disease. Therefore, it has been classified as a Variant of Uncertain Significance.

NM_181486.4(TBX5):c.1430A>G (p.Gln477Arg)

Gene: TBX5 (T-box transcription factor 5; minus strand). Cytogenetic location: 12q24.21.
Variant type: single nucleotide variant.
Coding change: c.1430A>G on transcript NM_181486.4 (MANE Select); coding-DNA position 1430, A replaced by G.
Protein change: p.Gln477Arg; replaces glutamine 477 with arginine.
Molecular consequence: missense variant.
Genome position (GRCh38, 1-based): chr12:114,355,659, T>C on the plus strand (A>G on the coding strand, the complement: TBX5 is on the minus strand). VCF-style: chr12-114355659-T-C. GRCh37 (hg19) VCF-style: chr12-114793464-T-C.
Other names: c.1430A>G, p.Gln477Arg (NM_000192.3); c.1280A>G, p.Gln427Arg (NM_080717.4); short protein forms Q427R, Q477R.
Identifiers: ClinVar variation 2699573 (VCV002699573.3), dbSNP rs1279503338, ClinGen allele CA386925080.